The following is an entry in ClinVar:

NM_002485.5(NBN):c.1387dup (p.Thr463fs)

Gene: NBN (nibrin; minus strand). Cytogenetic location: 8q21.3.
Variant type: Duplication.
Coding change: c.1387dup on transcript NM_002485.5 (MANE Select); coding-DNA position 1387, one base duplicated (A; older notation c.1387dupA).
Protein change: p.Thr463fs; shifts the reading frame from threonine 463.
Molecular consequence: frameshift variant.
Genome position (GRCh38, 1-based): chr8:89,955,293, T duplicated on the plus strand (A on the coding strand, the reverse complement: NBN is on the minus strand). VCF-style (leftmost placement, unchanged base first): chr8-89955292-G-GT. GRCh37 (hg19) VCF-style: chr8-90967520-G-GT.
Other names: c.1141dup, p.Thr381fs (NM_001024688.3); c.1387dupA (NM_002485.4); short protein forms T381fs, T463fs.
Identifiers: ClinVar variation 2586816 (VCV002586816.2), dbSNP rs2488242273, ClinGen allele CA2582341966.

ClinVar aggregate classification (germline): Pathogenic (1 of 4 stars; one submission).

Conditions:
Hereditary cancer-predisposing syndrome. Also called: Hereditary neoplastic syndrome; Tumor predisposition; Hereditary Cancer Syndrome; Neoplastic Syndromes, Hereditary. Identifiers: Orphanet 140162, MedGen C0027672, MeSH D009386, MONDO:0015356.

Submission:

Ambry Genetics
Classification: Pathogenic for Hereditary cancer-predisposing syndrome. Last evaluated: 2023-09-10. Review status: criteria provided, single submitter. Criteria: Ambry Variant Classification Scheme 2023. Collection method: clinical testing. Allele origin: germline.
Comment: The c.1387dupA variant, located in coding exon 10 of the NBN gene, results from a duplication of A at nucleotide position 1387, causing a translational frameshift with a predicted alternate stop codon (p.T463Nfs*8). This alteration is expected to result in loss of function by premature protein truncation or nonsense-mediated mRNA decay. As such, this alteration is interpreted as a disease-causing mutation.